The following is an entry in ClinVar:

ClinVar aggregate classification (germline): Benign. Review status: criteria provided, multiple submitters, no conflicts (2 of 4 stars). 3 submissions from 3 submitters: Benign (3). Last evaluated 2019-12-31.

Conditions:
Long QT syndrome (LQTS). Identifiers: MedGen C0023976, MeSH D008133, MONDO:0002442. Disease mechanism: loss of function. Inheritance: Various modes of inheritance.

Allele frequency attached by ClinVar (database versions not stated): TOPMed 0.10177; gnomAD 0.10269 and 0.10145; 1000 Genomes Project 30x 0.11024; 1000 Genomes Project 0.11701; gnomAD exomes 0.12687.
gnomAD v4.1: 172,898 of 1,388,250 alleles (12%); highest among the groups gnomAD compares: East Asian, 24%; 11,756 homozygotes.

Submissions (3):

Labcorp Genetics (formerly Invitae), Labcorp
Classification: Benign for Long QT syndrome. Last evaluated: 2019-12-31. Review status: criteria provided, single submitter. Criteria: Invitae Variant Classification Sherloc (09022015). Collection method: clinical testing. Allele origin: germline.

GeneDx
Classification: Benign. Last evaluated: 2018-06-14. Review status: criteria provided, single submitter. Criteria: GeneDx Variant Classification (06012015). Collection method: clinical testing. Allele origin: germline. Affected: yes.
Comment: This variant is considered likely benign or benign based on one or more of the following criteria: it is a conservative change, it occurs at a poorly conserved position in the protein, it is predicted to be benign by multiple in silico algorithms, and/or has population frequency not consistent with disease.

Breakthrough Genomics
Classification: Benign. Review status: criteria provided, single submitter. Criteria: ACMG Guidelines, 2015. Collection method: not provided. Allele origin: germline. Inheritance: Autosomal dominant inheritance. Affected: yes.

NM_000719.7(CACNA1C):c.6118-79C>T

Genes: CACNA1C-AS1 (CACNA1C antisense RNA 1; minus strand), CACNA1C (calcium voltage-gated channel subunit alpha1 C; plus strand). Cytogenetic location: 12p13.33.
Variant type: single nucleotide variant.
Coding change: c.6118-79C>T on transcript NM_000719.7 (MANE Select); 79 bases into the intron before coding-DNA position 6118, C replaced by T.
Molecular consequence: intron variant. On other transcripts: non-coding transcript variant (1).
Genome position (GRCh38, 1-based): chr12:2,690,821, C>T. VCF-style: chr12-2690821-C-T. GRCh37 (hg19) VCF-style: chr12-2799987-C-T.
Other names: c.6223-79C>T (NM_001167624.3, NM_001129830.3); c.6118-79C>T (NM_001167623.2, NM_001129840.2, NM_001129842.2 and 2 more transcripts); c.6298-79C>T (NM_001167625.2); c.6367-79C>T (NM_199460.4); c.6262-79C>T (NM_001129827.2); c.6178-79C>T (NM_001129832.2); c.6202-79C>T (NM_001129831.2); c.6175-79C>T (NM_001129833.2, NM_001129834.2, NM_001129835.2); and 6 more.
Identifiers: ClinVar variation 671973 (VCV000671973.6), dbSNP rs55830098, ClinGen allele CA13577146.